The following is an entry in ClinVar:

ClinVar aggregate classification (germline): Uncertain significance (1 of 4 stars; one submission).

Conditions:
Inborn genetic diseases. Identifiers: MedGen C0950123, MeSH D030342.

gnomAD v4.1: 38 of 1,555,602 alleles (0.0024%); highest among the groups gnomAD compares: Middle Eastern, 0.017%; no homozygotes.

Submission:

Ambry Genetics
Classification: Uncertain significance for Inborn genetic diseases. Last evaluated: 2025-12-29. Review status: criteria provided, single submitter. Criteria: Ambry Variant Classification Scheme 2023. Collection method: clinical testing. Allele origin: germline.
Comment: The c.1042G>A (p.E348K) alteration is located in exon 10 (coding exon 9) of the ADAMTSL2 gene. This alteration results from a G to A substitution at nucleotide position 1042, causing the glutamic acid (E) at amino acid position 348 to be replaced by a lysine (K). Based on data from gnomAD, the A allele has an overall frequency of 0.004% (5/122750) total alleles studied. The highest observed frequency was 0.027% (2/7334) of Ashkenazi Jewish alleles. Based on insufficient or conflicting evidence, the clinical significance of this alteration remains unclear.

NM_014694.4(ADAMTSL2):c.1042G>A (p.Glu348Lys)

Gene: ADAMTSL2 (ADAMTS like 2; plus strand). Cytogenetic location: 9q34.2.
Variant type: single nucleotide variant.
Coding change: c.1042G>A on transcript NM_014694.4 (MANE Select); coding-DNA position 1042, G replaced by A.
Protein change: p.Glu348Lys; replaces glutamic acid 348 with lysine.
Molecular consequence: missense variant.
Genome position (GRCh38, 1-based): chr9:133,554,459, G>A. VCF-style: chr9-133554459-G-A. GRCh37 (hg19) VCF-style: chr9-136419581-G-A.
Other names: c.1042G>A, p.Glu348Lys (NM_001145320.2); short protein forms E348K.
Identifiers: ClinVar variation 4827784 (VCV004827784.1).
Genomic context (GRCh38, chr9:133,554,459, plus strand): 5'-TACACGCTGCTGCAGCCGCCACACGAGAGCCGCCCCCAGCCCATCTACTATGGCTTCTCC[G>A]AGAGCGCTGAGAGCCAGGGCCTGGACGGGGCCGGGCTGATGGGCTTCGTCCCGCACAACG-3'
Protein context (NP_055509.2, residues 338-358): RPQPIYYGFS[Glu348Lys]SAESQGLDGA